The following is an entry in ClinVar:

NM_001371596.2(MFSD8):c.155-300T>C

Gene: MFSD8 (major facilitator superfamily domain containing 8; minus strand). Cytogenetic location: 4q28.2.
Variant type: single nucleotide variant.
Coding change: c.155-300T>C on transcript NM_001371596.2 (MANE Select); 300 bases into the intron before coding-DNA position 155, T replaced by C.
Molecular consequence: intron variant.
Genome position (GRCh38, 1-based): chr4:127,950,147, A>G on the plus strand (T>C on the coding strand, the complement: MFSD8 is on the minus strand). VCF-style: chr4-127950147-A-G. GRCh37 (hg19) VCF-style: chr4-128871302-A-G.
Other names: c.20-300T>C (NM_001371595.1, NM_001410765.1, NM_001371590.2); c.155-300T>C (NM_152778.4, NM_001363521.3, NM_001410766.1 and 5 more transcripts).
Identifiers: ClinVar variation 671194 (VCV000671194.3), dbSNP rs4426798, ClinGen allele CA15331356.

ClinVar aggregate classification (germline): Benign (1 of 4 stars; one submission).

Allele frequency attached by ClinVar (database versions not stated): gnomAD 0.02668 and 0.03015; TOPMed 0.03408; 1000 Genomes Project 30x 0.06871; 1000 Genomes Project 0.07248.
gnomAD v4.1: 4,560 of 152,296 alleles (3%); highest among the groups gnomAD compares: East Asian, 26%; 288 homozygotes.

Submission:

GeneDx
Classification: Benign. Last evaluated: 2018-06-14. Review status: criteria provided, single submitter. Criteria: GeneDx Variant Classification (06012015). Collection method: clinical testing. Allele origin: germline. Affected: yes.
Comment: This variant is considered likely benign or benign based on one or more of the following criteria: it is a conservative change, it occurs at a poorly conserved position in the protein, it is predicted to be benign by multiple in silico algorithms, and/or has population frequency not consistent with disease.